The following is an entry in ClinVar:

NM_006767.4(LZTR1):c.1804G>T (p.Val602Leu)

Gene: LZTR1 (leucine zipper like post translational regulator 1; plus strand). Cytogenetic location: 22q11.21.
Variant type: single nucleotide variant.
Coding change: c.1804G>T on transcript NM_006767.4 (MANE Select); coding-DNA position 1804, G replaced by T.
Protein change: p.Val602Leu; replaces valine 602 with leucine.
Molecular consequence: missense variant.
Genome position (GRCh38, 1-based): chr22:20,994,888, G>T. VCF-style: chr22-20994888-G-T. GRCh37 (hg19) VCF-style: chr22-21349177-G-T.
Other names: short protein forms V602L.
Identifiers: ClinVar variation 1780458 (VCV001780458.2), dbSNP rs2518622331, ClinGen allele CA410778489.

ClinVar aggregate classification (germline): Uncertain significance (1 of 4 stars; one submission).

Conditions:
Hereditary cancer-predisposing syndrome. Also called: Neoplastic Syndromes, Hereditary; Tumor predisposition; Hereditary Cancer Syndrome; Hereditary neoplastic syndrome. Identifiers: Orphanet 140162, MedGen C0027672, MeSH D009386, MONDO:0015356.
Cardiovascular phenotype. Identifiers: MedGen CN230736.

Submission:

Ambry Genetics
Classification: Uncertain significance for Cardiovascular phenotype; Hereditary cancer-predisposing syndrome. Last evaluated: 2021-12-22. Review status: criteria provided, single submitter. Criteria: Ambry Variant Classification Scheme 2023. Collection method: clinical testing. Allele origin: germline.
Comment: The p.V602L variant (also known as c.1804G>T), located in coding exon 16 of the LZTR1 gene, results from a G to T substitution at nucleotide position 1804. The valine at codon 602 is replaced by leucine, an amino acid with highly similar properties. This amino acid position is well conserved in available vertebrate species. In addition, the in silico prediction for this alteration is inconclusive. Since supporting evidence is limited at this time, the clinical significance of this alteration remains unclear.